The following is an entry in ClinVar:

ClinVar aggregate classification (germline): Uncertain significance (1 of 4 stars; one submission).

Submission:

Labcorp Genetics (formerly Invitae), Labcorp
Classification: Uncertain significance. Last evaluated: 2022-05-01. Review status: criteria provided, single submitter. Criteria: Invitae Variant Classification Sherloc (09022015). Collection method: clinical testing. Allele origin: germline.
Comment: In summary, the available evidence is currently insufficient to determine the role of this variant in disease. Therefore, it has been classified as a Variant of Uncertain Significance. Algorithms developed to predict the effect of missense changes on protein structure and function (SIFT, PolyPhen-2, Align-GVGD) all suggest that this variant is likely to be tolerated. This variant has not been reported in the literature in individuals affected with POLG2-related conditions. This variant is not present in population databases (gnomAD no frequency). This sequence change replaces glutamic acid, which is acidic and polar, with glycine, which is neutral and non-polar, at codon 191 of the POLG2 protein (p.Glu191Gly).

NM_007215.4(POLG2):c.572A>G (p.Glu191Gly)

Genes: MILR1 (mast cell immunoglobulin like receptor 1; plus strand), POLG2 (DNA polymerase gamma 2, accessory subunit; minus strand). Cytogenetic location: 17q23.3.
Variant type: single nucleotide variant.
Coding change: c.572A>G on transcript NM_007215.4 (MANE Select); coding-DNA position 572, A replaced by G.
Protein change: p.Glu191Gly; replaces glutamic acid 191 with glycine.
Molecular consequence: missense variant.
Genome position (GRCh38, 1-based): chr17:64,493,012, T>C on the plus strand (A>G on the coding strand, the complement: POLG2 is on the minus strand). VCF-style: chr17-64493012-T-C. GRCh37 (hg19) VCF-style: chr17-62489129-T-C.
Other names: short protein forms E191G.
Identifiers: ClinVar variation 2132511 (VCV002132511.4), dbSNP rs2509552256, ClinGen allele CA400639821.
Genomic context (GRCh38, chr17:64,493,012, plus strand): 5'-ATCTGAGCAAGGCCATAAGGTAGCCTCTTGTTTACCAGATCCAGGCAATTAACATAGTGT[T>C]CCAAGGCACCTGTCAAAAGATAAATCAATCATTGTATACATCTAGTCCACAAACCCAAAT-3'
Protein context (NP_009146.2, residues 181-201): LRENLLHGAL[Glu191Gly]HYVNCLDLVN